The following is an entry in ClinVar:

ClinVar aggregate classification (germline): Uncertain significance (1 of 4 stars; one submission).

Conditions:
Hereditary cancer-predisposing syndrome. Also called: Hereditary Cancer Syndrome; Hereditary neoplastic syndrome; Tumor predisposition; Neoplastic Syndromes, Hereditary. Identifiers: Orphanet 140162, MedGen C0027672, MeSH D009386, MONDO:0015356.
Cardiovascular phenotype. Identifiers: MedGen CN230736.

Submission:

Ambry Genetics
Classification: Uncertain significance for Cardiovascular phenotype; Hereditary cancer-predisposing syndrome. Last evaluated: 2025-05-12. Review status: criteria provided, single submitter. Criteria: Ambry Variant Classification Scheme 2023. Collection method: clinical testing. Allele origin: germline.
Comment: The p.F83C variant (also known as c.248T>G), located in coding exon 2 of the LZTR1 gene, results from a T to G substitution at nucleotide position 248. The phenylalanine at codon 83 is replaced by cysteine, an amino acid with highly dissimilar properties. This amino acid position is conserved. In addition, this alteration is predicted to be deleterious by in silico analysis. Based on the available evidence, the clinical significance of this variant remains unclear.

NM_006767.4(LZTR1):c.248T>G (p.Phe83Cys)

Gene: LZTR1 (leucine zipper like post translational regulator 1; plus strand). Cytogenetic location: 22q11.21.
Variant type: single nucleotide variant.
Coding change: c.248T>G on transcript NM_006767.4 (MANE Select); coding-DNA position 248, T replaced by G.
Protein change: p.Phe83Cys; replaces phenylalanine 83 with cysteine.
Molecular consequence: missense variant.
Genome position (GRCh38, 1-based): chr22:20,983,074, T>G. VCF-style: chr22-20983074-T-G. GRCh37 (hg19) VCF-style: chr22-21337363-T-G.
Other names: short protein forms F83C.
Identifiers: ClinVar variation 1792053 (VCV001792053.3), dbSNP rs1924257727, ClinGen allele CA410778400.